The following is an entry in ClinVar:

ClinVar aggregate classification (germline): Uncertain significance (1 of 4 stars; one submission).

gnomAD v4.1: 1 of 1,613,686 alleles (0.000062%); highest among the groups gnomAD compares: Non-Finnish European, 0.000085%; no homozygotes.

Submission:

Labcorp Genetics (formerly Invitae), Labcorp
Classification: Uncertain significance. Last evaluated: 2023-11-13. Review status: criteria provided, single submitter. Criteria: Invitae Variant Classification Sherloc (09022015). Collection method: clinical testing. Allele origin: germline.
Comment: This sequence change replaces histidine, which is basic and polar, with glutamine, which is neutral and polar, at codon 592 of the ARHGEF18 protein (p.His592Gln). This variant is not present in population databases (gnomAD no frequency). This variant has not been reported in the literature in individuals affected with ARHGEF18-related conditions. ClinVar contains an entry for this variant (Variation ID: 1349877). Algorithms developed to predict the effect of missense changes on protein structure and function output the following: SIFT: "Not Available"; PolyPhen-2: "Benign"; Align-GVGD: "Not Available". The glutamine amino acid residue is found in multiple mammalian species, which suggests that this missense change does not adversely affect protein function. In summary, the available evidence is currently insufficient to determine the role of this variant in disease. Therefore, it has been classified as a Variant of Uncertain Significance.

NM_001367823.1(ARHGEF18):c.2340C>A (p.His780Gln)

Gene: ARHGEF18 (Rho/Rac guanine nucleotide exchange factor 18; plus strand). Cytogenetic location: 19p13.2.
Variant type: single nucleotide variant.
Coding change: c.2340C>A on transcript NM_001367823.1 (MANE Select); coding-DNA position 2340, C replaced by A.
Protein change: p.His780Gln; replaces histidine 780 with glutamine.
Molecular consequence: missense variant.
Genome position (GRCh38, 1-based): chr19:7,458,670, C>A. VCF-style: chr19-7458670-C-A. GRCh37 (hg19) VCF-style: chr19-7523556-C-A.
Other names: c.1614C>A, p.His538Gln (NM_001130955.2); c.1302C>A, p.His434Gln (NM_001367824.1, NM_015318.4); short protein forms H434Q, H538Q, H780Q.
Identifiers: ClinVar variation 1349877 (VCV001349877.8), dbSNP rs201615895, ClinGen allele CA304894693.